The following is an entry in ClinVar:

ClinVar aggregate classification (germline): Uncertain significance (1 of 4 stars; one submission).

Submission:

Labcorp Genetics (formerly Invitae), Labcorp
Classification: Uncertain significance. Last evaluated: 2022-08-22. Review status: criteria provided, single submitter. Criteria: Invitae Variant Classification Sherloc (09022015). Collection method: clinical testing. Allele origin: germline.
Comment: In summary, the available evidence is currently insufficient to determine the role of this variant in disease. Therefore, it has been classified as a Variant of Uncertain Significance. Experimental studies and prediction algorithms are not available or were not evaluated, and the functional significance of this variant is currently unknown. This variant has not been reported in the literature in individuals affected with CSF2RB-related conditions. This variant is not present in population databases (gnomAD no frequency). This sequence change creates a premature translational stop signal (p.Ala662Leufs*36) in the CSF2RB gene. While this is not anticipated to result in nonsense mediated decay, it is expected to disrupt the last 236 amino acid(s) of the CSF2RB protein.

NM_000395.3(CSF2RB):c.1984del (p.Ala662fs)

Gene: CSF2RB (colony stimulating factor 2 receptor subunit beta; plus strand). Cytogenetic location: 22q12.3.
Variant type: Deletion.
Coding change: c.1984del on transcript NM_000395.3 (MANE Select); coding-DNA position 1984, one base deleted (G; older notation c.1984delG).
Protein change: p.Ala662fs; shifts the reading frame from alanine 662.
Molecular consequence: frameshift variant.
Genome position (GRCh38, 1-based): chr22:36,937,792, G deleted; the last of 5 consecutive G bases (chr22:36,937,788-36,937,792); deleting any one gives the same sequence. VCF-style (leftmost placement, unchanged base first): chr22-36937787-AG-A. GRCh37 (hg19) VCF-style: chr22-37333829-AG-A.
Other names: c.2002delG, p.Ala668Leufs (NM_001410827.1); short protein forms A662fs.
Identifiers: ClinVar variation 2025928 (VCV002025928.4), dbSNP rs2518009406, ClinGen allele CA2580099770.
Genomic context (GRCh38, chr22:36,937,787, plus strand): 5'-TCCCTCTGGCCCAGGCGATGGGACCAGGACAGGCCGTGGAAGTGGAGAGAAGGCCGAGCC[AG>A]GGGGCTGCAGGGAGTCCCTCCCTGGAGTCCGGGGGAGGCCCTGCCCCTCCTGCTCTTGGG-3'